The following is an entry in ClinVar:

ClinVar aggregate classification (germline): Uncertain significance. Review status: criteria provided, multiple submitters, no conflicts (2 of 4 stars). 2 submissions from 2 submitters: Uncertain significance (2). Last evaluated 2025-09-30.

Conditions:
Hereditary cancer-predisposing syndrome. Also called: Hereditary neoplastic syndrome; Tumor predisposition; Hereditary Cancer Syndrome; Neoplastic Syndromes, Hereditary. Identifiers: Orphanet 140162, MedGen C0027672, MeSH D009386, MONDO:0015356.

Submissions (2):

Ambry Genetics
Classification: Uncertain significance for Hereditary cancer-predisposing syndrome. Last evaluated: 2025-09-30. Review status: criteria provided, single submitter. Criteria: Ambry Variant Classification Scheme 2023. Collection method: clinical testing. Allele origin: germline.
Comment: The c.5743_5745delCTC variant (also known as p.L1915del) is located in coding exon 42 of the POLE gene. This variant results from an in-frame CTC deletion at nucleotide positions 5743 to 5745. This results in the in-frame deletion of a leucine at codon 1915. This amino acid position is highly conserved in available vertebrate species. In addition, this variant is predicted to be deleterious by in silico analysis (Choi Y et al. PLoS ONE. 2012; 7(10):e46688). Based on the available evidence, the clinical significance of this variant remains unclear.

Labcorp Genetics (formerly Invitae), Labcorp
Classification: Uncertain significance. Last evaluated: 2024-02-08. Review status: criteria provided, single submitter. Criteria: Invitae Variant Classification Sherloc (09022015). Collection method: clinical testing. Allele origin: germline.
Comment: This variant, c.5743_5745del, results in the deletion of 1 amino acid(s) of the POLE protein (p.Leu1915del), but otherwise preserves the integrity of the reading frame. This variant is not present in population databases (gnomAD no frequency). This variant has not been reported in the literature in individuals affected with POLE-related conditions. ClinVar contains an entry for this variant (Variation ID: 2129033). Experimental studies and prediction algorithms are not available or were not evaluated, and the functional significance of this variant is currently unknown. In summary, the available evidence is currently insufficient to determine the role of this variant in disease. Therefore, it has been classified as a Variant of Uncertain Significance.

NM_006231.4(POLE):c.5743_5745del (p.Leu1915del)

Gene: POLE (DNA polymerase epsilon, catalytic subunit; minus strand). Cytogenetic location: 12q24.33.
Variant type: Deletion.
Coding change: c.5743_5745del on transcript NM_006231.4 (MANE Select); coding-DNA positions 5743 to 5745, 3 bases deleted (CTC; older notation c.5743_5745delCTC).
Protein change: p.Leu1915del; deletes leucine 1915.
Molecular consequence: inframe deletion.
Genome position (GRCh38, 1-based): chr12:132,635,958-132,635,960, GAG deleted on the plus strand (CTC on the coding strand, the reverse complement: POLE is on the minus strand). VCF-style (leftmost placement, unchanged base first): chr12-132635957-AGAG-A. GRCh37 (hg19) VCF-style: chr12-133212543-AGAG-A.
Other names: c.5743_5745delCTC (NM_006231.2); short protein forms L1915del.
Identifiers: ClinVar variation 2129033 (VCV002129033.5), dbSNP rs2541863566, ClinGen allele CA2580086117.